The following is an entry in ClinVar:

NM_001384140.1(PCDH15):c.1001dup (p.Tyr334Ter)

Gene: PCDH15 (protocadherin related 15; minus strand). Cytogenetic location: 10q21.1.
Variant type: Duplication.
Coding change: c.1001dup on transcript NM_001384140.1 (MANE Select); coding-DNA position 1001, one base duplicated (A; older notation c.1001dupA).
Protein change: p.Tyr334Ter; replaces tyrosine 334 with a stop codon.
Molecular consequence: nonsense. On other transcripts: frameshift variant (1).
Genome position (GRCh38, 1-based): chr10:54,214,033, T duplicated on the plus strand (A on the coding strand, the reverse complement: PCDH15 is on the minus strand). VCF-style (leftmost placement, unchanged base first): chr10-54214032-G-GT. GRCh37 (hg19) VCF-style: chr10-55973792-G-GT.
Other names: c.1016dup, p.Tyr339Ter (NM_001142763.2, NM_001142771.2); c.1001dup, p.Tyr334Ter (NM_001142764.2, NM_001142765.2, NM_001142766.2 and 7 more transcripts); c.890dup, p.Tyr297Ter (NM_001142767.2); c.935dup, p.Tyr312Ter (NM_001142768.2, NM_001142773.2, NM_001354404.2); c.1016dup, p.Tyr339Terfs (NM_001142769.4); short protein forms Y297*, Y312*, Y334*, Y339*.
Identifiers: ClinVar variation 2034036 (VCV002034036.4), dbSNP rs2539931796, ClinGen allele CA2580081648.

ClinVar aggregate classification (germline): Pathogenic (1 of 4 stars; one submission).

Submission:

Labcorp Genetics (formerly Invitae), Labcorp
Classification: Pathogenic. Last evaluated: 2024-01-08. Review status: criteria provided, single submitter. Criteria: Invitae Variant Classification Sherloc (09022015). Collection method: clinical testing. Allele origin: germline.
Comment: This sequence change creates a premature translational stop signal (p.Tyr334*) in the PCDH15 gene. It is expected to result in an absent or disrupted protein product. Loss-of-function variants in PCDH15 are known to be pathogenic (PMID: 11398101, 11487575, 14570705). This variant is not present in population databases (gnomAD no frequency). This variant has not been reported in the literature in individuals affected with PCDH15-related conditions. ClinVar contains an entry for this variant (Variation ID: 2034036). For these reasons, this variant has been classified as Pathogenic.

Literature cited by the submitters: PubMed 11398101; PubMed 11487575; PubMed 14570705.